The following is an entry in ClinVar:

ClinVar aggregate classification (germline): Pathogenic (1 of 4 stars; one submission).

Conditions:
L-2-hydroxyglutaric aciduria (L2HGA). Identifiers: Orphanet 79314, MedGen C1855995, MONDO:0009370, OMIM 236792, HP:0040144.

Submission:

Labcorp Genetics (formerly Invitae), Labcorp
Classification: Pathogenic for L-2-hydroxyglutaric aciduria. Last evaluated: 2022-03-11. Review status: criteria provided, single submitter. Criteria: Invitae Variant Classification Sherloc (09022015). Collection method: clinical testing. Allele origin: germline.
Comment: Disruption of this splice site has been observed in individuals with L-2-hydroxyglutaric aciduria (PMID: 32626804; Invitae). Algorithms developed to predict the effect of sequence changes on RNA splicing suggest that this variant may disrupt the consensus splice site. For these reasons, this variant has been classified as Pathogenic. This variant is not present in population databases (gnomAD no frequency). This sequence change affects a donor splice site in intron 2 of the L2HGDH gene. It is expected to disrupt RNA splicing. Variants that disrupt the donor or acceptor splice site typically lead to a loss of protein function (PMID: 16199547), and loss-of-function variants in L2HGDH are known to be pathogenic (PMID: 16134148, 20052767).

Literature cited by the submitters: PubMed 32626804; PubMed 16199547; PubMed 16134148; PubMed 20052767.

NM_024884.3(L2HGDH):c.256+2T>A

Gene: L2HGDH (L-2-hydroxyglutarate dehydrogenase; minus strand). Cytogenetic location: 14q21.3.
Variant type: single nucleotide variant.
Coding change: c.256+2T>A on transcript NM_024884.3 (MANE Select); the canonical splice donor site of the intron after coding-DNA position 256, T replaced by A.
Molecular consequence: splice donor variant.
Genome position (GRCh38, 1-based): chr14:50,302,900, A>T on the plus strand (T>A on the coding strand, the complement: L2HGDH is on the minus strand). VCF-style: chr14-50302900-A-T. GRCh37 (hg19) VCF-style: chr14-50769618-A-T.
Identifiers: ClinVar variation 2086204 (VCV002086204.4), dbSNP rs2502522706, ClinGen allele CA389659457.